The following is an entry in ClinVar:

ClinVar aggregate classification (germline): Uncertain significance (1 of 4 stars; one submission).

Conditions:
Catecholaminergic polymorphic ventricular tachycardia 1. Also called: VENTRICULAR TACHYCARDIA, STRESS-INDUCED POLYMORPHIC 1; VENTRICULAR TACHYCARDIA, CATECHOLAMINERGIC POLYMORPHIC, 1, WITH OR WITHOUT ATRIAL DYSFUNCTION AND/OR DILATED CARDIOMYOPATHY; RYR2-Related Catecholaminergic Polymorphic Ventricular Tachycardia. Identifiers: Orphanet 3286, MedGen C1631597, MONDO:0011484, OMIM 604772.

Submission:

Labcorp Genetics (formerly Invitae), Labcorp
Classification: Uncertain significance for Catecholaminergic polymorphic ventricular tachycardia 1. Last evaluated: 2021-05-30. Review status: criteria provided, single submitter. Criteria: Invitae Variant Classification Sherloc (09022015). Collection method: clinical testing. Allele origin: germline.
Comment: This sequence change affects an acceptor splice site in intron 48 of the RYR2 gene. It is expected to disrupt RNA splicing. Variants that disrupt the donor or acceptor splice site typically lead to a loss of protein function (PMID: 16199547), however the current clinical and genetic evidence is not sufficient to establish whether loss-of-function variants in RYR2 cause disease. This variant is not present in population databases (ExAC no frequency). This variant has not been reported in the literature in individuals with RYR2-related conditions. Algorithms developed to predict the effect of sequence changes on RNA splicing suggest that this variant may disrupt the consensus splice site, but this prediction has not been confirmed by published transcriptional studies. In summary, the available evidence is currently insufficient to determine the role of this variant in disease. Therefore, it has been classified as a Variant of Uncertain Significance.

Literature cited by the submitters: PubMed 16199547.

NM_001035.3(RYR2):c.7343-1G>T

Gene: RYR2 (ryanodine receptor 2; plus strand). Cytogenetic location: 1q43.
Variant type: single nucleotide variant.
Coding change: c.7343-1G>T on transcript NM_001035.3 (MANE Select); the canonical splice acceptor site of the intron before coding-DNA position 7343, G replaced by T.
Molecular consequence: splice acceptor variant.
Genome position (GRCh38, 1-based): chr1:237,648,443, G>T. VCF-style: chr1-237648443-G-T. GRCh37 (hg19) VCF-style: chr1-237811743-G-T.
Identifiers: ClinVar variation 1449626 (VCV001449626.9), dbSNP rs2148789350, ClinGen allele CA345397933.